The following is an entry in ClinVar:

NM_015335.5(MED13L):c.1688dup (p.Arg564fs)

Gene: MED13L (mediator complex subunit 13L; minus strand). Cytogenetic location: 12q24.21.
Variant type: Duplication.
Coding change: c.1688dup on transcript NM_015335.5 (MANE Select); coding-DNA position 1688, one base duplicated (C; older notation c.1688dupC).
Protein change: p.Arg564fs; shifts the reading frame from arginine 564.
Molecular consequence: frameshift variant.
Genome position (GRCh38, 1-based): chr12:116,008,725, G duplicated on the plus strand (C on the coding strand, the reverse complement: MED13L is on the minus strand); the first of 2 consecutive G bases (chr12:116,008,725-116,008,726); duplicating either gives the same sequence. VCF-style (leftmost placement, unchanged base first): chr12-116008724-T-TG. GRCh37 (hg19) VCF-style: chr12-116446529-T-TG.
Other names: short protein forms R564fs.
Identifiers: ClinVar variation 4994705 (VCV004994705.1).

ClinVar aggregate classification (germline): Pathogenic (1 of 4 stars; one submission).

Conditions:
MED13L-related disorder. Also called: MED13L-related condition.

Submission:

PreventionGenetics, part of Exact Sciences
Classification: Pathogenic for MED13L-related condition. Last evaluated: 2026-02-13. Review status: criteria provided, single submitter. Criteria: ACMG Guidelines, 2015. Collection method: clinical testing. Allele origin: germline.
Comment: The MED13L c.1688dupC variant is predicted to result in a frameshift and premature protein termination (p.Arg564Thrfs*34). To our knowledge, this variant has not been reported in the literature or in a large population database (gnomAD), indicating this variant is rare. Frameshift variants in MED13L are expected to be pathogenic. This variant is interpreted as pathogenic.